The following is an entry in ClinVar:

NM_005908.4(MANBA):c.815A>G (p.Lys272Arg)

Gene: MANBA (mannosidase beta; minus strand). Cytogenetic location: 4q24.
Variant type: single nucleotide variant.
Coding change: c.815A>G on transcript NM_005908.4 (MANE Select); coding-DNA position 815, A replaced by G.
Protein change: p.Lys272Arg; replaces lysine 272 with arginine.
Molecular consequence: missense variant.
Genome position (GRCh38, 1-based): chr4:102,690,630, T>C on the plus strand (A>G on the coding strand, the complement: MANBA is on the minus strand). VCF-style: chr4-102690630-T-C. GRCh37 (hg19) VCF-style: chr4-103611787-T-C.
Other names: short protein forms K272R.
Identifiers: ClinVar variation 1466423 (VCV001466423.5), dbSNP rs957064535, ClinGen allele CA102706518.

ClinVar aggregate classification (germline): Uncertain significance (1 of 4 stars; one submission).

Conditions:
Beta-D-mannosidosis (MANSB). Also called: Beta-Mannosidosis; MANNOSIDOSIS, BETA A, LYSOSOMAL; BETA-MANNOSIDASE DEFICIENCY; LYSOSOMAL BETA-MANNOSIDASE DEFICIENCY. Identifiers: Orphanet 118, MedGen C4048196, MONDO:0009562, OMIM 248510.

Allele frequency attached by ClinVar (database versions not stated): gnomAD exomes below 0.00001.
gnomAD v4.1: 1 of 1,612,600 alleles (0.000062%); highest among the groups gnomAD compares: Non-Finnish European, 0.000085%; no homozygotes.

Submission:

Labcorp Genetics (formerly Invitae), Labcorp
Classification: Uncertain significance for Beta-D-mannosidosis. Last evaluated: 2024-02-24. Review status: criteria provided, single submitter. Criteria: Invitae Variant Classification Sherloc (09022015). Collection method: clinical testing. Allele origin: germline.
Comment: This sequence change replaces lysine, which is basic and polar, with arginine, which is basic and polar, at codon 272 of the MANBA protein (p.Lys272Arg). This variant is not present in population databases (gnomAD no frequency). This variant has not been reported in the literature in individuals affected with MANBA-related conditions. ClinVar contains an entry for this variant (Variation ID: 1466423). Advanced modeling of protein sequence and biophysical properties (such as structural, functional, and spatial information, amino acid conservation, physicochemical variation, residue mobility, and thermodynamic stability) performed at Invitae indicates that this missense variant is not expected to disrupt MANBA protein function with a negative predictive value of 80%. In summary, the available evidence is currently insufficient to determine the role of this variant in disease. Therefore, it has been classified as a Variant of Uncertain Significance.